The following is an entry in ClinVar:

ClinVar aggregate classification (germline): Conflicting classifications of pathogenicity. Review status: criteria provided, conflicting classifications (1 of 4 stars). 5 submissions from 5 submitters: Uncertain significance (3); Likely benign (1). 1 of the submissions does not count toward it. Last evaluated 2025-12-29.

Conditions:
Inborn genetic diseases. Identifiers: MedGen C0950123, MeSH D030342.
Congenital myasthenic syndrome (CMS). Also called: Congenital Myasthenic Syndromes. Identifiers: Orphanet 590, MedGen C0751882, MeSH D020294, MONDO:0018940.
Congenital myasthenic syndrome 4A. Also called: MYASTHENIC SYNDROME, CONGENITAL, 4A, SLOW-CHANNEL, AUTOSOMAL RECESSIVE; CONGENITAL MYASTHENIC SYNDROME TYPE Ia1; Myasthenic syndrome, congenital, 4a, slow-channel. Identifiers: Orphanet 590, MedGen C4225413, MONDO:0011600, OMIM 605809.

Allele frequency attached by ClinVar (database versions not stated): TOPMed 0.00001.

Submissions (5):

Labcorp Genetics (formerly Invitae), Labcorp
Classification: Likely benign for Congenital myasthenic syndrome 4A. Last evaluated: 2025-12-29. Review status: criteria provided, single submitter. Criteria: Invitae Variant Classification Sherloc (09022015). Collection method: clinical testing. Allele origin: germline.

Revvity Omics, Revvity
Classification: Uncertain significance. Last evaluated: 2022-03-23. Review status: criteria provided, single submitter. Criteria: ACMG Guidelines, 2015. Collection method: clinical testing. Allele origin: germline.

Ambry Genetics
Classification: Uncertain significance for Inborn genetic diseases. Last evaluated: 2021-10-21. Review status: criteria provided, single submitter. Criteria: Ambry Variant Classification Scheme 2023. Collection method: clinical testing. Allele origin: germline.

GeneDx
Classification: Uncertain significance. Last evaluated: 2017-06-30. Review status: criteria provided, single submitter. Criteria: GeneDx Variant Classification (06012015). Collection method: clinical testing. Allele origin: germline. Affected: yes.
Comment: The S391R variant in the CHRNE gene has not been reported previously as a pathogenic variant, nor as a benign variant, to our knowledge. This variant is observed in 8/51,000 (0.02%) alleles from individuals of non-Finnish European background in the ExAC dataset (Lek et al., 2016). The S391R variant is a semi-conservative amino acid substitution, which may impact secondary protein structure as these residues differ in some properties. This substitution occurs at a position that is conserved across species. In silico analysis predicts this variant is probably damaging to the protein structure/function. We interpret S391R as a variant of uncertain significance.

Natera, Inc.
Classification: Uncertain significance for Congenital myasthenic syndrome. Last evaluated: 2019-10-28. Review status: no assertion criteria provided. Collection method: clinical testing. Allele origin: germline. Not counted in ClinVar's aggregate classification.

NM_000080.4(CHRNE):c.1173C>A (p.Ser391Arg)

Genes: CHRNE (cholinergic receptor nicotinic epsilon subunit; minus strand), LOC130060040 (ATAC-STARR-seq lymphoblastoid silent region 8049; plus strand). Cytogenetic location: 17p13.2.
Variant type: single nucleotide variant.
Coding change: c.1173C>A on transcript NM_000080.4 (MANE Select); coding-DNA position 1173, C replaced by A.
Protein change: p.Ser391Arg; replaces serine 391 with arginine.
Molecular consequence: missense variant.
Genome position (GRCh38, 1-based): chr17:4,899,244, G>T on the plus strand (C>A on the coding strand, the complement: CHRNE is on the minus strand). VCF-style: chr17-4899244-G-T. GRCh37 (hg19) VCF-style: chr17-4802539-G-T.
Other names: c.1173C>A, p.Ser391Arg (LRG_1254t1); short protein forms S391R.
Identifiers: ClinVar variation 449807 (VCV000449807.14), dbSNP rs146921234, ClinGen allele CA8313992.